The following is an entry in ClinVar:

NM_001277115.2(DNAH11):c.6977G>A (p.Trp2326Ter)

Gene: DNAH11 (dynein axonemal heavy chain 11; plus strand). Cytogenetic location: 7p15.3.
Variant type: single nucleotide variant.
Coding change: c.6977G>A on transcript NM_001277115.2 (MANE Select); coding-DNA position 6977, G replaced by A.
Protein change: p.Trp2326Ter; replaces tryptophan 2326 with a stop codon.
Molecular consequence: nonsense.
Genome position (GRCh38, 1-based): chr7:21,711,854, G>A. VCF-style: chr7-21711854-G-A. GRCh37 (hg19) VCF-style: chr7-21751472-G-A.
Other names: c.6998G>A, p.Trp2333Ter (NM_003777.3); short protein forms W2326*, W2333*.
Identifiers: ClinVar variation 2757574 (VCV002757574.3), dbSNP rs2534991105, ClinGen allele CA366941787.

ClinVar aggregate classification (germline): Pathogenic (1 of 4 stars; one submission).

Conditions:
Primary ciliary dyskinesia. Also called: Ciliary dyskinesia. Identifiers: Orphanet 244, MedGen C0008780, MONDO:0016575, HP:0012265.

Submission:

Labcorp Genetics (formerly Invitae), Labcorp
Classification: Pathogenic for Primary ciliary dyskinesia. Last evaluated: 2023-09-03. Review status: criteria provided, single submitter. Criteria: Invitae Variant Classification Sherloc (09022015). Collection method: clinical testing. Allele origin: germline.
Comment: For these reasons, this variant has been classified as Pathogenic. This variant has not been reported in the literature in individuals affected with DNAH11-related conditions. This variant is not present in population databases (gnomAD no frequency). This sequence change creates a premature translational stop signal (p.Trp2326*) in the DNAH11 gene. It is expected to result in an absent or disrupted protein product. Loss-of-function variants in DNAH11 are known to be pathogenic (PMID: 18022865, 20513915, 22184204).

Literature cited by the submitters: PubMed 18022865; PubMed 20513915; PubMed 22184204.